The following is an entry in ClinVar:

NM_147127.5(EVC2):c.228+1G>T

Gene: EVC2 (EvC ciliary complex subunit 2; minus strand). Cytogenetic location: 4p16.2.
Variant type: single nucleotide variant.
Coding change: c.228+1G>T on transcript NM_147127.5 (MANE Select); the canonical splice donor site of the intron after coding-DNA position 228, G replaced by T.
Molecular consequence: splice donor variant. On other transcripts: intron variant (1).
Genome position (GRCh38, 1-based): chr4:5,708,285, C>A on the plus strand (G>T on the coding strand, the complement: EVC2 is on the minus strand). VCF-style: chr4-5708285-C-A. GRCh37 (hg19) VCF-style: chr4-5710012-C-A.
Other names: c.-13+544G>T (NM_001166136.2).
Identifiers: ClinVar variation 5006783 (VCV005006783.2).
Genomic context (GRCh38, chr4:5,708,285, plus strand): 5'-CGGTGTAGACAAAGTCAAACCACTACAGTCAGACCGGAGCCTGGGGTCGGGCCCTCCTTA[C>A]CTGCGTGCTGCTCTCGGGCCCCGCCCCGCTCCGCCCCGGAGGGATCCTCAGGCCGGGCCC-3'

ClinVar aggregate classification (germline): Uncertain significance (1 of 4 stars; one submission).

Conditions:
Ellis-van Creveld syndrome (EVC). Also called: Chondroectodermal dysplasia; MESOECTODERMAL DYSPLASIA. Identifiers: Orphanet 289, MedGen C0013903, MONDO:0009162, OMIM 225500.
Curry-Hall syndrome (WAD). Also called: WEYERS ACRODENTAL DYSOSTOSIS. Identifiers: Orphanet 952, MedGen C0457013, MONDO:0008673, OMIM 193530.

Submission:

Juno Genomics, Hangzhou Juno Genomics, Inc
Classification: Uncertain significance for Ellis-van Creveld syndrome; Curry-Hall syndrome. Review status: criteria provided, single submitter. Criteria: ACMG Guidelines, 2015. Collection method: clinical testing. Allele origin: germline.
Comment: Null variant in a gene where loss of function (LOF) is a known mechanism of disease.;Absent from controls (or at extremely low frequency if recessive) in Genome Aggregation Database.